The following is an entry in ClinVar:

NM_003172.4(SURF1):c.604G>C (p.Asp202His)

Gene: SURF1 (SURF1 cytochrome c oxidase assembly factor; minus strand). Cytogenetic location: 9q34.2.
Variant type: single nucleotide variant.
Coding change: c.604G>C on transcript NM_003172.4 (MANE Select); coding-DNA position 604, G replaced by C.
Protein change: p.Asp202His; replaces aspartic acid 202 with histidine.
Molecular consequence: missense variant.
Genome position (GRCh38, 1-based): chr9:133,352,593, C>G on the plus strand (G>C on the coding strand, the complement: SURF1 is on the minus strand). VCF-style: chr9-133352593-C-G. GRCh37 (hg19) VCF-style: chr9-136219448-C-G.
Other names: p.D202H:GAC>CAC; c.277G>C, p.Asp93His (NM_001280787.1); short protein forms D202H, D93H.
Identifiers: ClinVar variation 139375 (VCV000139375.56), dbSNP rs72619327, ClinGen allele CA293830.

ClinVar aggregate classification (germline): Conflicting classifications of pathogenicity. Review status: criteria provided, conflicting classifications (1 of 4 stars). 5 submissions from 5 submitters: Uncertain significance (1); Benign (3); Likely benign (1). Last evaluated 2026-02-03.

Conditions:
Leigh syndrome (NULS). Also called: Leigh Disease; LEIGH SYNDROME, NUCLEAR; Leigh Syndrome (mtDNA deletion); Leigh's necrotizing encephalopathy; Leigh's disease; Leigh's syndrome. Identifiers: Orphanet 506, MedGen C2931891, MONDO:0009723, OMIM 256000.

Allele frequency attached by ClinVar (database versions not stated): ESP Exome Variant Server 0.00085; gnomAD 0.00517 and 0.00688; TOPMed 0.00808; 1000 Genomes Project 30x 0.03014; 1000 Genomes Project 0.03335.

Submissions (5):

Labcorp Genetics (formerly Invitae), Labcorp
Classification: Benign for Leigh syndrome. Last evaluated: 2026-02-03. Review status: criteria provided, single submitter. Criteria: Invitae Variant Classification Sherloc (09022015). Collection method: clinical testing. Allele origin: germline.

Women's Health and Genetics/Laboratory Corporation of America, LabCorp
Classification: Likely benign. Last evaluated: 2021-12-10. Review status: criteria provided, single submitter. Criteria: LabCorp Variant Classification Summary - May 2015. Collection method: clinical testing. Allele origin: germline.

Mayo Clinic Laboratories, Mayo Clinic
Classification: Benign. Last evaluated: 2017-12-22. Review status: criteria provided, single submitter. Criteria: ACMG Guidelines, 2015. Collection method: clinical testing. Allele origin: germline. Observed: 26 variant alleles.

CeGaT Center for Human Genetics Tuebingen
Classification: Uncertain significance. Last evaluated: 2016-06-01. Review status: criteria provided, single submitter. Criteria: CeGaT Center For Human Genetics Tuebingen Variant Classification Criteria Version 2. Collection method: clinical testing. Allele origin: germline. Affected: yes. Observed: 1 variant allele.

GeneDx
Classification: Benign. Last evaluated: 2014-04-09. Review status: criteria provided, single submitter. Criteria: GeneDx Variant Classification (06012015). Collection method: clinical testing. Allele origin: germline. Affected: yes.
Comment: This variant is considered likely benign or benign based on one or more of the following criteria: it is a conservative change, it occurs at a poorly conserved position in the protein, it is predicted to be benign by multiple in silico algorithms, and/or has population frequency not consistent with disease.